The following is an entry in ClinVar:

NM_000222.3(KIT):c.2142-5C>T

Gene: KIT (KIT proto-oncogene, receptor tyrosine kinase; plus strand). Cytogenetic location: 4q12.
Variant type: single nucleotide variant.
Coding change: c.2142-5C>T on transcript NM_000222.3 (MANE Select); 5 bases into the intron before coding-DNA position 2142, C replaced by T.
Molecular consequence: intron variant.
Genome position (GRCh38, 1-based): chr4:54,731,323, C>T. VCF-style: chr4-54731323-C-T. GRCh37 (hg19) VCF-style: chr4-55597489-C-T.
Other names: c.2145-5C>T (NM_001385284.1); c.2145-8C>T (NM_001385290.1); c.2133-5C>T (NM_001385288.1); c.2133-8C>T (NM_001385292.1); c.2142-8C>T (NM_001385285.1); c.2130-5C>T (NM_001093772.2); c.2130-8C>T (NM_001385286.1); c.2142-5C>T (NM_000222.2).
Identifiers: ClinVar variation 2021900 (VCV002021900.6), dbSNP rs781283523, ClinGen allele CA645516940.
Genomic context (GRCh38, chr4:54,731,323, plus strand): 5'-TGACCCATGAGTGCCCTTCTACATGTCCCACTTGATTCAGTCATGACTTGTTTCATCTCT[C>T]CCAGCAGCGATAGTACTAATGAGTACATGGACATGAAACCTGGAGTTTCTTATGTTGTCC-3'

ClinVar aggregate classification (germline): Conflicting classifications of pathogenicity. Review status: criteria provided, conflicting classifications (1 of 4 stars). 3 submissions from 3 submitters: Uncertain significance (1); Likely benign (2). Last evaluated 2026-05-29.

Conditions:
Hereditary cancer-predisposing syndrome. Also called: Tumor predisposition; Hereditary Cancer Syndrome; Hereditary neoplastic syndrome; Neoplastic Syndromes, Hereditary. Identifiers: Orphanet 140162, MedGen C0027672, MeSH D009386, MONDO:0015356.
Gastrointestinal stromal tumor. Also called: Gastrointestinal stroma tumor; Gastrointestinal stromal tumor, somatic. Identifiers: Orphanet 44890, MedGen C0238198, MeSH D046152, MONDO:0011719, OMIM 606764, HP:0100723.

Submissions (3):

Myriad Genetics, Inc.
Classification: Likely benign for Gastrointestinal stromal tumor. Last evaluated: 2026-05-29. Review status: criteria provided, single submitter. Criteria: Myriad Autosomal Dominant, Autosomal Recessive and X-Linked Classification Criteria (2023). Collection method: clinical testing. Allele origin: unknown.
Comment: This variant is considered likely benign. This variant is intronic and is not expected to impact mRNA splicing.

Ambry Genetics
Classification: Uncertain significance for Hereditary cancer-predisposing syndrome. Last evaluated: 2025-04-01. Review status: criteria provided, single submitter. Criteria: Ambry Variant Classification Scheme 2023. Collection method: clinical testing. Allele origin: germline.
Comment: The c.2142-5C>T intronic variant results from a C to T substitution 5 nucleotides upstream from coding exon 15 in the KIT gene. This nucleotide position is not well conserved in available vertebrate species. In silico splice site analysis predicts that this alteration will not have any significant effect on splicing. Based on the available evidence, the clinical significance of this variant remains unclear.

Labcorp Genetics (formerly Invitae), Labcorp
Classification: Likely benign for Gastrointestinal stromal tumor. Last evaluated: 2022-08-08. Review status: criteria provided, single submitter. Criteria: Invitae Variant Classification Sherloc (09022015). Collection method: clinical testing. Allele origin: germline.